The following is an entry in ClinVar:

NM_007194.4(CHEK2):c.1376-2A>G

Gene: CHEK2 (checkpoint kinase 2; minus strand). Cytogenetic location: 22q12.1.
Variant type: single nucleotide variant.
Coding change: c.1376-2A>G on transcript NM_007194.4 (MANE Select); the canonical splice acceptor site of the intron before coding-DNA position 1376, A replaced by G.
Molecular consequence: splice acceptor variant.
Genome position (GRCh38, 1-based): chr22:28,694,119, T>C on the plus strand (A>G on the coding strand, the complement: CHEK2 is on the minus strand). VCF-style: chr22-28694119-T-C. GRCh37 (hg19) VCF-style: chr22-29090107-T-C.
Other names: c.713-2A>G (NM_001437942.1, NM_001257387.3); c.1175-2A>G (NM_001349956.3); c.1289-2A>G (NM_145862.3); c.1382-2A>G (NM_001438295.1); c.1469-2A>G (NM_001438293.1); c.1418-2A>G (NM_001438294.1); c.1505-2A>G (NM_001005735.3).
Identifiers: ClinVar variation 1514824 (VCV001514824.15), dbSNP rs2145786737, ClinGen allele CA411094579.
Genomic context (GRCh38, chr22:28,694,119, plus strand): 5'-TTCTGTCGTAAAACGTGCCTTTGGATCCACTACCAACAACTTCTTGACAAGGTCCAGAGC[T>C]AAAGCAACAATTGGGCAAATCACAGTGAAAAGGATAAATATATTATCAGTAAGAGTATGC-3'

ClinVar aggregate classification (germline): Likely pathogenic. Review status: criteria provided, multiple submitters, no conflicts (2 of 4 stars). 3 submissions from 3 submitters: Likely pathogenic (3). Last evaluated 2024-07-24.

Conditions:
Hereditary cancer-predisposing syndrome. Also called: Tumor predisposition; Neoplastic Syndromes, Hereditary; Hereditary neoplastic syndrome; Hereditary Cancer Syndrome. Identifiers: Orphanet 140162, MedGen C0027672, MeSH D009386, MONDO:0015356.
Familial cancer of breast. Also called: Hereditary breast cancer; hereditary breast carcinoma; BREAST CANCER, FAMILIAL. Identifiers: Orphanet 227535, MedGen C0346153, MONDO:0016419, OMIM 114480. Disease mechanism: loss of function.

Allele frequency attached by ClinVar (database versions not stated): gnomAD exomes below 0.00001.
gnomAD v4.1: 1 of 1,588,862 alleles (0.000063%); highest among the groups gnomAD compares: Non-Finnish European, 0.000085%; no homozygotes.

Submissions (3):

Labcorp Genetics (formerly Invitae), Labcorp
Classification: Likely pathogenic for Familial cancer of breast. Last evaluated: 2024-07-24. Review status: criteria provided, single submitter. Criteria: Invitae Variant Classification Sherloc (09022015). Collection method: clinical testing. Allele origin: germline.
Comment: This sequence change affects an acceptor splice site in intron 12 of the CHEK2 gene. It is expected to disrupt RNA splicing. Variants that disrupt the donor or acceptor splice site typically lead to a loss of protein function (PMID: 16199547), and loss-of-function variants in CHEK2 are known to be pathogenic (PMID: 21876083, 24713400). This variant is not present in population databases (gnomAD no frequency). This variant has not been reported in the literature in individuals affected with CHEK2-related conditions. ClinVar contains an entry for this variant (Variation ID: 1514824). Algorithms developed to predict the effect of sequence changes on RNA splicing suggest that this variant may disrupt the consensus splice site. In summary, the currently available evidence indicates that the variant is pathogenic, but additional data are needed to prove that conclusively. Therefore, this variant has been classified as Likely Pathogenic.

Ambry Genetics
Classification: Likely pathogenic for Hereditary cancer-predisposing syndrome. Last evaluated: 2024-06-28. Review status: criteria provided, single submitter. Criteria: Ambry Variant Classification Scheme 2023. Collection method: clinical testing. Allele origin: germline.
Comment: The c.1376-2A>G intronic variant results from an A to G substitution two nucleotides upstream from coding exon 12 in the CHEK2 gene. This nucleotide position is highly conserved in available vertebrate species. In silico splice site analysis predicts that this alteration will weaken the native splice acceptor site and will result in the creation or strengthening of a novel splice acceptor site. This variant is considered to be rare based on population cohorts in the Genome Aggregation Database (gnomAD). Alterations that disrupt the canonical splice site are expected to cause aberrant splicing, resulting in an abnormal protein or a transcript that is subject to nonsense-mediated mRNA decay. As such, this alteration is classified as likely pathogenic.

Myriad Genetics, Inc.
Classification: Likely pathogenic for Familial cancer of breast. Last evaluated: 2023-06-28. Review status: criteria provided, single submitter. Criteria: Myriad Autosomal Dominant, Autosomal Recessive and X-Linked Classification Criteria (2023). Collection method: clinical testing. Allele origin: unknown.
Comment: This variant is considered likely pathogenic. This variant occurs within a consensus splice junction and is predicted to result in abnormal mRNA splicing of either an out-of-frame exon or an in-frame exon necessary for protein stability and/or normal function.

Literature cited by the submitters: PubMed 16199547 (cited by Labcorp Genetics (formerly Invitae), Labcorp); PubMed 21876083 (cited by Labcorp Genetics (formerly Invitae), Labcorp); PubMed 24713400 (cited by Labcorp Genetics (formerly Invitae), Labcorp).